The following is an entry in ClinVar:

NM_175875.5(SIX5):c.1186G>A (p.Glu396Lys)

Gene: SIX5 (SIX homeobox 5; minus strand). Cytogenetic location: 19q13.32.
Variant type: single nucleotide variant.
Coding change: c.1186G>A on transcript NM_175875.5 (MANE Select); coding-DNA position 1186, G replaced by A.
Protein change: p.Glu396Lys; replaces glutamic acid 396 with lysine.
Molecular consequence: missense variant.
Genome position (GRCh38, 1-based): chr19:45,766,773, C>T on the plus strand (G>A on the coding strand, the complement: SIX5 is on the minus strand). VCF-style: chr19-45766773-C-T. GRCh37 (hg19) VCF-style: chr19-46270031-C-T.
Other names: c.1186G>A (NM_175875.4); short protein forms E396K.
Identifiers: ClinVar variation 3627251 (VCV003627251.3).
Genomic context (GRCh38, chr19:45,766,773, plus strand): 5'-CTGGTCCCGGAGCAGCCACCTGGGCCCCTTTGGTCTCAGGGGCCTCCGACTGAGCCTCCT[C>T]CAGCCGCACCTCCCCTGTCTGAGGGTCCAGGACCAGAGAGGTCTTGGTCTCGCTGGCCCC-3'
Protein context (NP_787071.3, residues 386-406): LDPQTGEVRL[Glu396Lys]EAQSEAPETK

ClinVar aggregate classification (germline): Conflicting classifications of pathogenicity. Review status: criteria provided, conflicting classifications (1 of 4 stars). 2 submissions from 2 submitters: Uncertain significance (1); Likely benign (1). Last evaluated 2025-01-20.

gnomAD v4.1: 67 of 1,580,864 alleles (0.0042%); highest among the groups gnomAD compares: South Asian, 0.074%; 1 homozygote.

Submissions (2):

Ambry Genetics
Classification: Likely benign. Last evaluated: 2025-01-20. Review status: criteria provided, single submitter. Criteria: Ambry Variant Classification Scheme 2023. Collection method: clinical testing. Allele origin: germline.

Labcorp Genetics (formerly Invitae), Labcorp
Classification: Uncertain significance. Last evaluated: 2024-02-16. Review status: criteria provided, single submitter. Criteria: Invitae Variant Classification Sherloc (09022015). Collection method: clinical testing. Allele origin: germline.
Comment: This sequence change replaces glutamic acid, which is acidic and polar, with lysine, which is basic and polar, at codon 396 of the SIX5 protein (p.Glu396Lys). This variant is present in population databases (rs554847654, gnomAD 0.09%), and has an allele count higher than expected for a pathogenic variant. This variant has not been reported in the literature in individuals affected with SIX5-related conditions. Advanced modeling of protein sequence and biophysical properties (such as structural, functional, and spatial information, amino acid conservation, physicochemical variation, residue mobility, and thermodynamic stability) performed at Invitae indicates that this missense variant is not expected to disrupt SIX5 protein function with a negative predictive value of 80%. In summary, the available evidence is currently insufficient to determine the role of this variant in disease. Therefore, it has been classified as a Variant of Uncertain Significance.